The following is an entry in ClinVar:

ClinVar aggregate classification (germline): Uncertain significance. Review status: criteria provided, multiple submitters, no conflicts (2 of 4 stars). 14 submissions from 14 submitters: Uncertain significance (11). 3 of the submissions do not count toward it. Last evaluated 2025-04-01.

Conditions:
Diffuse midline glioma, H3 K27-altered. Identifiers: MedGen C5669877, MONDO:1060171.
Hereditary cancer-predisposing syndrome. Also called: Tumor predisposition; Hereditary neoplastic syndrome; Hereditary Cancer Syndrome; Neoplastic Syndromes, Hereditary. Identifiers: Orphanet 140162, MedGen C0027672, MeSH D009386, MONDO:0015356.
Microcephaly, normal intelligence and immunodeficiency (NBS). Also called: Nijmegen breakage syndrome; BERLIN BREAKAGE SYNDROME; Ataxia telangiectasia variant V1; SEEMANOVA SYNDROME II; IMMUNODEFICIENCY, MICROCEPHALY, AND CHROMOSOMAL INSTABILITY; Immunodeficiency, microcephaly with normal intelligence. Identifiers: Orphanet 647, MedGen C0398791, MONDO:0009623, OMIM 251260.
Aplastic anemia. Identifiers: Orphanet 182040, Orphanet 88, MedGen C0002874, MONDO:0015909, OMIM 609135, HP:0001915.

Allele frequency attached by ClinVar (database versions not stated): ExAC 0.00001; gnomAD exomes 0.00002 and 0.00003; gnomAD 0.00003 and 0.00004; TOPMed 0.00003; ESP Exome Variant Server 0.00008.
gnomAD v4.1: 37 of 1,613,212 alleles (0.0023%); highest among the groups gnomAD compares: Non-Finnish European, 0.003%; no homozygotes.

Submissions (14):

CeGaT Center for Human Genetics Tuebingen
Classification: Uncertain significance. Last evaluated: 2025-04-01. Review status: criteria provided, single submitter. Criteria: CeGaT Center For Human Genetics Tuebingen Variant Classification Criteria Version 2. Collection method: clinical testing. Allele origin: germline. Affected: yes. Observed: 1 variant allele.
Comment: NBN: PM2, BP1, BP4

Women's Health and Genetics/Laboratory Corporation of America, LabCorp
Classification: Uncertain significance. Last evaluated: 2025-01-06. Review status: criteria provided, single submitter. Criteria: LabCorp Variant Classification Summary - May 2015. Collection method: clinical testing. Allele origin: germline.
Comment: Variant summary: NBN c.633T>A (p.Asp211Glu) results in a conservative amino acid change in the encoded protein sequence. Three of five in-silico tools predict a damaging effect of the variant on protein function. The variant allele was found at a frequency of 3.2e-05 in 250928 control chromosomes. The available data on variant occurrences in the general population are insufficient to allow any conclusion about variant significance.c.633T>A has been reported in the literature in individuals with a personal and/or family history of breast and/or ovarian cancer, as well as unaffected controls (e.g. Ramus_2015, Tsaousis_2019, Dorling_2021, Krivokuca_2022). These reports do not provide unequivocal conclusions about association of the variant with Hereditary Breast And Ovarian Cancer Syndrome. To our knowledge, no experimental evidence demonstrating an impact on protein function has been reported. The following publications have been ascertained in the context of this evaluation (PMID: 33471991, 26315354, 31159747, 34284872, 36346689). ClinVar contains an entry for this variant (Variation ID: 140805). Based on the evidence outlined above, the variant was classified as uncertain significance.

Blueprint Genetics
Classification: Uncertain significance. Last evaluated: 2024-02-22. Review status: criteria provided, single submitter. Criteria: ACMG Guidelines, 2015. Collection method: clinical testing. Allele origin: germline.

Baylor Genetics
Classification: Uncertain significance for Aplastic anemia. Last evaluated: 2024-02-13. Review status: criteria provided, single submitter. Criteria: ACMG Guidelines, 2015. Collection method: clinical testing. Allele origin: unknown.

Labcorp Genetics (formerly Invitae), Labcorp
Classification: Uncertain significance for Microcephaly, normal intelligence and immunodeficiency. Last evaluated: 2024-01-24. Review status: criteria provided, single submitter. Criteria: Invitae Variant Classification Sherloc (09022015). Collection method: clinical testing. Allele origin: germline.
Comment: This sequence change replaces aspartic acid, which is acidic and polar, with glutamic acid, which is acidic and polar, at codon 211 of the NBN protein (p.Asp211Glu). This variant is present in population databases (rs377700348, gnomAD 0.006%). This missense change has been observed in individual(s) with clinical features of NBN-related conditions (PMID: 26315354, 31159747). ClinVar contains an entry for this variant (Variation ID: 140805). An algorithm developed to predict the effect of missense changes on protein structure and function (PolyPhen-2) suggests that this variant is likely to be disruptive. In summary, the available evidence is currently insufficient to determine the role of this variant in disease. Therefore, it has been classified as a Variant of Uncertain Significance.

Ambry Genetics
Classification: Uncertain significance for Hereditary cancer-predisposing syndrome. Last evaluated: 2023-03-31. Review status: criteria provided, single submitter. Criteria: Ambry Variant Classification Scheme 2023. Collection method: clinical testing. Allele origin: germline.
Comment: The p.D211E variant (also known as c.633T>A), located in coding exon 6 of the NBN gene, results from a T to A substitution at nucleotide position 633. The aspartic acid at codon 211 is replaced by glutamic acid, an amino acid with highly similar properties. In one study, this alteration was observed in 1/3236 cases with invasive epithelial ovarian cancer and 0/3431 controls (Ramus SJ et al. J Natl Cancer Inst, 2015 Nov;107:). This alteration has also been reported in 1/1197 individuals from Greece, Romania, and Turkey undergoing evaluation for inherited cancer predisposition (Tsaousis GN et al. BMC Cancer, 2019 Jun;19:535). This alteration was also identified in a cohort of 131 women diagnosed with epithelial ovarian cancer in Serbia (Krivokuca A et al. J Hum Genet, 2019 Apr;64:281-290) and in 1/3251 individuals who met eligibility criteria for hereditary breast and ovarian cancer syndrome who underwent expanded Breast and Ovarian Cancer Panel testing (Lerner-Ellis J et al. J Cancer Res Clin Oncol 2021 Mar;147(3):871-879). This amino acid position is highly conserved in available vertebrate species. In addition, the in silico prediction for this alteration is inconclusive. Since supporting evidence is limited at this time, the clinical significance of this alteration remains unclear.

GeneDx
Classification: Uncertain significance. Last evaluated: 2022-12-29. Review status: criteria provided, single submitter. Criteria: GeneDx Variant Classification Process June 2021. Collection method: clinical testing. Allele origin: germline. Affected: yes.
Comment: In silico analysis supports that this missense variant does not alter protein structure/function; Observed in individuals with breast or ovarian cancer (Ramus et al., 2015; Hauke et al., 2018; Krivokuca et al., 2019); This variant is associated with the following publications: (PMID: 26315354, 26257771, 28497333, 31159747, 29522266, 28801450, 30651582)

Laboratory of Medical Genetics Unit, Bambino Gesù Children's Hospital
Classification: Uncertain significance for Diffuse midline glioma, H3 K27-altered. Last evaluated: 2022-12-09. Review status: criteria provided, single submitter. Criteria: ACMG Guidelines, 2015. Collection method: research. Allele origin: germline. Affected: yes. Observed: 1 heterozygote.

Genome-Nilou Lab
Classification: Uncertain significance for Microcephaly, normal intelligence and immunodeficiency. Last evaluated: 2021-11-07. Review status: criteria provided, single submitter. Criteria: ACMG Guidelines, 2015. Collection method: clinical testing. Allele origin: germline. Affected: no.

Institute for Clinical Genetics, University Hospital TU Dresden, University Hospital TU Dresden
Classification: Uncertain significance. Last evaluated: 2021-11-03. Review status: criteria provided, single submitter. Criteria: ACMG Guidelines, 2015. Collection method: clinical testing. Allele origin: germline.

GeneKor MSA
Classification: Uncertain significance for Hereditary cancer-predisposing syndrome. Last evaluated: 2018-08-01. Review status: criteria provided, single submitter. Criteria: ACMG Guidelines, 2015. Collection method: clinical testing. Allele origin: germline. Affected: yes.

Natera, Inc.
Classification: Uncertain significance for Nijmegen breakage syndrome. Last evaluated: 2020-02-26. Review status: no assertion criteria provided. Collection method: clinical testing. Allele origin: germline. Not counted in ClinVar's aggregate classification.

Counsyl
Classification: Uncertain significance for Microcephaly, normal intelligence and immunodeficiency. Last evaluated: 2018-05-18. Review status: no assertion criteria provided. Collection method: clinical testing. Allele origin: unknown. Not counted in ClinVar's aggregate classification.

Department of Pathology and Laboratory Medicine, Sinai Health System
Classification: Uncertain significance. Review status: no assertion criteria provided. Collection method: clinical testing. Allele origin: unknown. Affected: yes. Study: The Canadian Open Genetics Repository (COGR). Not counted in ClinVar's aggregate classification.
Comment: The NBN p.Asp211Glu variant was identified in 2 of 6488 proband chromosomes (frequency: 0.0003) from individuals or families with ovarian cancer and was not identified in 6862 control chromosomes from healthy individuals (Balendran 2017, Ramus 2015). The variant was also identified in dbSNP (ID: rs377700348) as â€šÃ„ÃºWith Uncertain significance alleleâ€šÃ„Ã¹, ClinVar (as uncertain significance by Ambry Genetics, Invitae, GeneDx, and three other submitters). The variant was not identified in LOVD 3.0. The variant was identified in control databases in 9 of 276778 chromosomes at a frequency of 0.00003 (Genome Aggregation Database Feb 27, 2017). The variant was observed in the following populations: Other in 1 of 6452 chromosomes (freq: 0.0002), Latino in 1 of 34354 chromosomes (freq: 0.00003), and European in 7 of 126420 chromosomes (freq: 0.00006), while the variant was not observed in the African, Ashkenazi Jewish, East Asian, Finnish, or South Asian populations. The p.Asp211 residue is conserved in mammals and computational analyses (PolyPhen-2, SIFT, AlignGVGD, BLOSUM, MutationTaster) provide inconsistent predictions regarding the impact to the protein; this information is not very predictive of pathogenicity. The variant occurs outside of the splicing consensus sequence and in silico or computational prediction software programs (SpliceSiteFinder, MaxEntScan, NNSPLICE, GeneSplicer) do not predict a difference in splicing. In summary, based on the above information, the clinical significance of this variant cannot be determined with certainty at this time. This variant is classified as a variant of uncertain significance.

Literature cited by the submitters: PubMed 26315354 (cited by 3 submitters); PubMed 31159747 (cited by 3 submitters); PubMed 33471991 (cited by Women's Health and Genetics/Laboratory Corporation of America, LabCorp); PubMed 34284872 (cited by Women's Health and Genetics/Laboratory Corporation of America, LabCorp); PubMed 36346689 (cited by Women's Health and Genetics/Laboratory Corporation of America, LabCorp); PubMed 28801450 (cited by Ambry Genetics); PubMed 30651582 (cited by Ambry Genetics).

NM_002485.5(NBN):c.633T>A (p.Asp211Glu)

Gene: NBN (nibrin; minus strand). Cytogenetic location: 8q21.3.
Variant type: single nucleotide variant.
Coding change: c.633T>A on transcript NM_002485.5 (MANE Select); coding-DNA position 633, T replaced by A.
Protein change: p.Asp211Glu; replaces aspartic acid 211 with glutamic acid.
Molecular consequence: missense variant.
Genome position (GRCh38, 1-based): chr8:89,971,242, A>T on the plus strand (T>A on the coding strand, the complement: NBN is on the minus strand). VCF-style: chr8-89971242-A-T. GRCh37 (hg19) VCF-style: chr8-90983470-A-T.
Other names: c.387T>A, p.Asp129Glu (NM_001024688.3); short protein forms D211E, D129E.
Identifiers: ClinVar variation 140805 (VCV000140805.43), dbSNP rs377700348, ClinGen allele CA163608.